The following is an entry in ClinVar:

NM_001111.5(ADAR):c.3058C>A (p.Pro1020Thr)

Gene: ADAR (adenosine deaminase RNA specific; minus strand). Cytogenetic location: 1q21.3.
Variant type: single nucleotide variant.
Coding change: c.3058C>A on transcript NM_001111.5 (MANE Select); coding-DNA position 3058, C replaced by A.
Protein change: p.Pro1020Thr; replaces proline 1020 with threonine.
Molecular consequence: missense variant.
Genome position (GRCh38, 1-based): chr1:154,586,325, G>T on the plus strand (C>A on the coding strand, the complement: ADAR is on the minus strand). VCF-style: chr1-154586325-G-T. GRCh37 (hg19) VCF-style: chr1-154558801-G-T.
Other names: c.2173C>A, p.Pro725Thr (NM_001025107.3, NM_001193495.2, NM_001365046.1 and 2 more transcripts); c.3085C>A, p.Pro1029Thr (NM_001365045.1); c.2095C>A, p.Pro699Thr (NM_001365049.1); c.2980C>A, p.Pro994Thr (NM_015840.4); c.2923C>A, p.Pro975Thr (NM_015841.4); short protein forms P1020T, P1029T, P699T, P725T, P975T, P994T.
Identifiers: ClinVar variation 1702557 (VCV001702557.2), dbSNP rs1464239852, ClinGen allele CA342635820.

ClinVar aggregate classification (germline): Uncertain significance (1 of 4 stars; one submission).

Allele frequency attached by ClinVar (database versions not stated): TOPMed 0.00001.

Submission:

GeneDx
Classification: Uncertain significance. Last evaluated: 2022-02-21. Review status: criteria provided, single submitter. Criteria: GeneDx Variant Classification Process June 2021. Collection method: clinical testing. Allele origin: germline. Affected: yes.
Comment: Not observed at significant frequency in large population cohorts (gnomAD); In silico analysis supports that this missense variant has a deleterious effect on protein structure/function; Has not been previously published as pathogenic or benign to our knowledge